The following is an entry in ClinVar:

NM_001363711.2(DUOX2):c.3176G>T (p.Arg1059Leu)

Gene: DUOX2 (dual oxidase 2; minus strand). Cytogenetic location: 15q21.1.
Variant type: single nucleotide variant.
Coding change: c.3176G>T on transcript NM_001363711.2 (MANE Select); coding-DNA position 3176, G replaced by T.
Protein change: p.Arg1059Leu; replaces arginine 1059 with leucine.
Molecular consequence: missense variant.
Genome position (GRCh38, 1-based): chr15:45,100,058, C>A on the plus strand (G>T on the coding strand, the complement: DUOX2 is on the minus strand). VCF-style: chr15-45100058-C-A. GRCh37 (hg19) VCF-style: chr15-45392256-C-A.
Other names: c.3176G>T, p.Arg1059Leu (NM_014080.5); short protein forms R1059L.
Identifiers: ClinVar variation 4778781 (VCV004778781.1).

ClinVar aggregate classification (germline): Uncertain significance (1 of 4 stars; one submission).

gnomAD v4.1: 2 of 1,614,246 alleles (0.00012%); highest among the groups gnomAD compares: Non-Finnish European, 0.00017%; no homozygotes.

Submission:

Labcorp Genetics (formerly Invitae), Labcorp
Classification: Uncertain significance. Last evaluated: 2025-12-15. Review status: criteria provided, single submitter. Criteria: Invitae Variant Classification Sherloc (09022015). Collection method: clinical testing. Allele origin: germline.
Comment: This sequence change replaces arginine, which is basic and polar, with leucine, which is neutral and non-polar, at codon 1059 of the DUOX2 protein (p.Arg1059Leu). This variant is not present in population databases (gnomAD no frequency). This variant has not been reported in the literature in individuals affected with DUOX2-related conditions. Invitae Evidence Modeling of protein sequence and biophysical properties (such as structural, functional, and spatial information, amino acid conservation, physicochemical variation, residue mobility, and thermodynamic stability) indicates that this missense variant is expected to disrupt DUOX2 protein function with a positive predictive value of 80%. In summary, the available evidence is currently insufficient to determine the role of this variant in disease. Therefore, it has been classified as a Variant of Uncertain Significance.